The following is an entry in ClinVar:

ClinVar aggregate classification (germline): Likely benign. Review status: criteria provided, multiple submitters, no conflicts (2 of 4 stars). 2 submissions from 2 submitters: Likely benign (2). Last evaluated 2025-08-14.

Conditions:
Early-infantile DEE. Also called: Early infantile epileptic encephalopathy; Early infantile epileptic encephalopathy with suppression bursts; Ohtahara syndrome. Identifiers: Orphanet 1934, MedGen C0393706, MONDO:0800491.

Allele frequency attached by ClinVar (database versions not stated): gnomAD exomes 0.00001; TOPMed 0.00002; gnomAD 0.00003 and 0.00004; ExAC 0.00001.
gnomAD v4.1: 28 of 1,613,954 alleles (0.0017%); highest among the groups gnomAD compares: African/African-American, 0.004%; no homozygotes.

Submissions (2):

Labcorp Genetics (formerly Invitae), Labcorp
Classification: Likely benign for Early-infantile DEE. Last evaluated: 2025-08-14. Review status: criteria provided, single submitter. Criteria: Invitae Variant Classification Sherloc (09022015). Collection method: clinical testing. Allele origin: germline.

CeGaT Center for Human Genetics Tuebingen
Classification: Likely benign. Last evaluated: 2025-01-01. Review status: criteria provided, single submitter. Criteria: CeGaT Center For Human Genetics Tuebingen Variant Classification Criteria Version 2. Collection method: clinical testing. Allele origin: germline. Affected: yes. Observed: 1 variant allele.
Comment: SPTAN1: BP4, BP7

NM_001130438.3(SPTAN1):c.5409C>T (p.Gly1803=)

Gene: SPTAN1 (spectrin alpha, non-erythrocytic 1; plus strand). Cytogenetic location: 9q34.11.
Variant type: single nucleotide variant.
Coding change: c.5409C>T on transcript NM_001130438.3 (MANE Select); coding-DNA position 5409, C replaced by T.
Protein change: p.Gly1803=; no amino-acid change (glycine 1803 retained).
Molecular consequence: synonymous variant.
Genome position (GRCh38, 1-based): chr9:128,617,691, C>T. VCF-style: chr9-128617691-C-T. GRCh37 (hg19) VCF-style: chr9-131379970-C-T.
Other names: c.5334C>T, p.Gly1778= (NM_001195532.2); c.5409C>T, p.Gly1803= (NM_001363759.2, NM_001375310.1, NM_001375311.2 and 1 more transcripts); c.5349C>T, p.Gly1783= (NM_001363765.2, NM_001375314.2); c.5445C>T, p.Gly1815= (NM_001375312.2, NM_001375318.1); c.5394C>T, p.Gly1798= (NM_003127.4).
Identifiers: ClinVar variation 1054502 (VCV001054502.24), dbSNP rs768322079, ClinGen allele CA5265452.